The following is an entry in ClinVar:

ClinVar aggregate classification (germline): Likely benign. Review status: criteria provided, multiple submitters, no conflicts (2 of 4 stars). 3 submissions from 3 submitters: Likely benign (3). Last evaluated 2026-01-13.

Conditions:
Dilated cardiomyopathy 1J (CMD1J). Also called: CARDIOMYOPATHY, DILATED, WITH SENSORINEURAL HEARING LOSS, AUTOSOMAL DOMINANT. Identifiers: Orphanet 217622, MedGen C1854368, MONDO:0011541, OMIM 605362.

Allele frequency attached by ClinVar (database versions not stated): gnomAD exomes 0.00004 and 0.00002; ESP Exome Variant Server 0.00008; TOPMed 0.00001; ExAC 0.00002; gnomAD 0.00002.
gnomAD v4.1: 64 of 1,598,840 alleles (0.004%); highest among the groups gnomAD compares: Non-Finnish European, 0.0053%; no homozygotes.

Submissions (3):

Labcorp Genetics (formerly Invitae), Labcorp
Classification: Likely benign for Dilated cardiomyopathy 1J. Last evaluated: 2026-01-13. Review status: criteria provided, single submitter. Criteria: Invitae Variant Classification Sherloc (09022015). Collection method: clinical testing. Allele origin: germline.

Blueprint Genetics
Classification: Likely benign. Last evaluated: 2021-12-28. Review status: criteria provided, single submitter. Criteria: ACMG Guidelines, 2015. Collection method: clinical testing. Allele origin: germline.

Laboratory for Molecular Medicine, Mass General Brigham Personalized Medicine
Classification: Likely benign. Last evaluated: 2013-11-26. Review status: criteria provided, single submitter. Criteria: LMM Criteria. Collection method: clinical testing. Allele origin: germline. Observed: 1 variant allele.
Comment: 805-12T>C in Intron 10 of EYA4: This variant is not expected to have clinical si gnificance because it does not diverge from the splice site consensus sequence a nd computational tools do not predict an impact to splicing. It has been identi fied in 1/8598 European American chromosomes by the NHLBI Exome Sequencing Proje ct (dbSNP rs375862613).

NM_004100.5(EYA4):c.805-12T>C

Gene: EYA4 (EYA transcriptional coactivator and phosphatase 4; plus strand). Cytogenetic location: 6q23.2.
Variant type: single nucleotide variant.
Coding change: c.805-12T>C on transcript NM_004100.5 (MANE Select); 12 bases into the intron before coding-DNA position 805, T replaced by C.
Molecular consequence: intron variant.
Genome position (GRCh38, 1-based): chr6:133,468,554, T>C. VCF-style: chr6-133468554-T-C. GRCh37 (hg19) VCF-style: chr6-133789692-T-C.
Other names: c.805-12T>C (NM_001301013.2, NM_172105.4); c.736-12T>C (NM_001370458.1, NM_172103.4); c.643-12T>C (NM_001370459.1, NM_001301012.2).
Identifiers: ClinVar variation 178345 (VCV000178345.9), dbSNP rs375862613, ClinGen allele CA182148.